The following is an entry in ClinVar:

ClinVar aggregate classification (germline): Conflicting classifications of pathogenicity. Review status: criteria provided, conflicting classifications (1 of 4 stars). 4 submissions from 4 submitters: Pathogenic (1); Likely pathogenic (1); Uncertain significance (1). 1 of the submissions does not count toward it. Last evaluated 2026-06-20.

Conditions:
Mitochondrial complex I deficiency, nuclear type 31. Also called: Mitochondrial complex 1 deficiency, nuclear type 31. Identifiers: MedGen C4748838, MONDO:0032634, OMIM 618251.

Allele frequency attached by ClinVar (database versions not stated): gnomAD exomes 0.00001 and 0.00002; ExAC 0.00003; TOPMed 0.00003; gnomAD 0.00006; ESP Exome Variant Server 0.00008.
gnomAD v4.1: 27 of 1,611,970 alleles (0.0017%); highest among the groups gnomAD compares: Admixed American, 0.01%; no homozygotes.

Submissions (4):

Molecular Genetics laboratory, Necker Hospital
Classification: Pathogenic for Mitochondrial complex I deficiency, nuclear type 31. Last evaluated: 2026-06-20. Review status: criteria provided, single submitter. Criteria: ACMG Guidelines, 2015. Collection method: clinical testing. Allele origin: biparental. Affected: yes. Observed: 2 variant alleles.
Comment: The NM_016589.3(TIMMDC1):c.410G>A is a missense variant in TIMMDC1 which replaces the Arginine (a positively charged aminoacid) at position 137 with a Histidine (also a positively charged aminoacid). This variant is present in gnomAD in a heterozygous state but never in a homozygous state (version 4.1.1). This variant was identified in a homozygous state in two fetal sibs presenting with brain malformations and functional studies proved the pathogenicity of this variant (Boutaud et al. Brain 2023, PMID: 36349561). In summary, this variant meets criteria to be classified as pathogenic for mitochondrial complex I deficiency, nuclear type 31.

Labcorp Genetics (formerly Invitae), Labcorp
Classification: Likely pathogenic. Last evaluated: 2025-11-18. Review status: criteria provided, single submitter. Criteria: Invitae Variant Classification Sherloc (09022015). Collection method: clinical testing. Allele origin: germline.
Comment: This sequence change replaces arginine, which is basic and polar, with histidine, which is basic and polar, at codon 137 of the TIMMDC1 protein (p.Arg137His). This variant is present in population databases (rs142096113, gnomAD 0.006%). This missense change has been observed in individual(s) with TIMMDC1-related conditions (PMID: 36349561). It has also been observed to segregate with disease in related individuals. ClinVar contains an entry for this variant (Variation ID: 1691015). Invitae Evidence Modeling of protein sequence and biophysical properties (such as structural, functional, and spatial information, amino acid conservation, physicochemical variation, residue mobility, and thermodynamic stability) indicates that this missense variant is expected to disrupt TIMMDC1 protein function with a positive predictive value of 80%. Studies have shown that this missense change alters TIMMDC1 gene expression (PMID: 36349561). In summary, the currently available evidence indicates that the variant is pathogenic, but additional data are needed to prove that conclusively. Therefore, this variant has been classified as Likely Pathogenic.

Laboratorio de Genetica e Diagnostico Molecular, Hospital Israelita Albert Einstein
Classification: Uncertain significance. Last evaluated: 2021-03-29. Review status: criteria provided, single submitter. Criteria: ACMG Guidelines, 2015. Collection method: clinical testing. Allele origin: germline. Affected: yes.
Comment: ACMG classification criteria: PM2

OMIM
Classification: Pathogenic for MITOCHONDRIAL COMPLEX I DEFICIENCY, NUCLEAR TYPE 31. Last evaluated: 2024-01-26. Review status: no assertion criteria provided. Collection method: literature only. Allele origin: germline. Not counted in ClinVar's aggregate classification.

Literature cited by the submitters: PubMed 36349561 (cited by Labcorp Genetics (formerly Invitae), Labcorp and OMIM).

NM_016589.4(TIMMDC1):c.410G>A (p.Arg137His)

Gene: TIMMDC1 (translocase of inner mitochondrial membrane domain containing 1; plus strand). Cytogenetic location: 3q13.33.
Variant type: single nucleotide variant.
Coding change: c.410G>A on transcript NM_016589.4 (MANE Select); coding-DNA position 410, G replaced by A.
Protein change: p.Arg137His; replaces arginine 137 with histidine.
Molecular consequence: missense variant.
Genome position (GRCh38, 1-based): chr3:119,503,581, G>A. VCF-style: chr3-119503581-G-A. GRCh37 (hg19) VCF-style: chr3-119222428-G-A.
Other names: TIMMDC1, ARG137HIS (rs142096113); short protein forms R137H.
Identifiers: ClinVar variation 1691015 (VCV001691015.7), dbSNP rs142096113, ClinGen allele CA2555225.
Genomic context (GRCh38, chr3:119,503,581, plus strand): 5'-ATTAACTTTAGCAATCTGCACATCGTGCTGCCACACGAGGCTTCATTCGTTATGGCTGGC[G>A]CTGGGGTTGGAGAACTGCAGTGTTTGTGACTATATTCAAGTAAGTTCACTCTGAATTGTG-3'
Protein context (NP_057673.2, residues 127-147): ATRGFIRYGW[Arg137His]WGWRTAVFVT